The following is an entry in ClinVar:

ClinVar aggregate classification (germline): Uncertain significance. Review status: criteria provided, multiple submitters, no conflicts (2 of 4 stars). 3 submissions from 3 submitters: Uncertain significance (3). Last evaluated 2024-01-05.

Conditions:
TPM1-related disorder. Also called: TPM1-related condition.

Submissions (3):

Blueprint Genetics
Classification: Uncertain significance. Last evaluated: 2024-01-05. Review status: criteria provided, single submitter. Criteria: ACMG Guidelines, 2015. Collection method: clinical testing. Allele origin: germline.

Laboratory for Molecular Medicine, Mass General Brigham Personalized Medicine
Classification: Uncertain significance. Last evaluated: 2023-04-14. Review status: criteria provided, single submitter. Criteria: ACMG Guidelines, 2015. Collection method: clinical testing. Allele origin: germline.
Comment: The p.Glu122Lys variant in TPM1 has not been previously reported in individuals with cardiomyopathy or in large population studies. Computational prediction tools and conservation analysis suggest that the p.Glu122Lys variant may impact the protein, though this information is not predictive enough to determine pathogenicity. In summary, the clinical significance of this variant is uncertain. ACMG/AMP Criteria applied: PP3, PM2_Supporting.

PreventionGenetics, part of Exact Sciences
Classification: Uncertain significance for TPM1-related condition. Last evaluated: 2022-08-24. Review status: criteria provided, single submitter. Criteria: ACMG Guidelines, 2015. Collection method: clinical testing. Allele origin: germline.
Comment: The TPM1 c.364G>A variant is predicted to result in the amino acid substitution p.Glu122Lys. To our knowledge, this variant has not been reported in the literature or in a large population database, indicating this variant is rare. At this time, the clinical significance of this variant is uncertain due to the absence of conclusive functional and genetic evidence.

NM_001018005.2(TPM1):c.364G>A (p.Glu122Lys)

Gene: TPM1 (tropomyosin 1; plus strand). Cytogenetic location: 15q22.2.
Variant type: single nucleotide variant.
Coding change: c.364G>A on transcript NM_001018005.2 (MANE Select); coding-DNA position 364, G replaced by A.
Protein change: p.Glu122Lys; replaces glutamic acid 122 with lysine.
Molecular consequence: missense variant.
Genome position (GRCh38, 1-based): chr15:63,057,108, G>A. VCF-style: chr15-63057108-G-A. GRCh37 (hg19) VCF-style: chr15-63349307-G-A.
Other names: c.364G>A, p.Glu122Lys (NM_000366.6, NM_001018004.2, NM_001018006.2 and 6 more transcripts); c.256G>A, p.Glu86Lys (NM_001018008.2, NM_001301289.2, NM_001330344.2 and 5 more transcripts); c.490G>A, p.Glu164Lys (NM_001365778.1); c.364G>A (NM_001018020.1); short protein forms E122K, E164K, E86K.
Identifiers: ClinVar variation 229341 (VCV000229341.8), dbSNP rs876658031, ClinGen allele CA10576995.
Genomic context (GRCh38, chr15:63,057,108, plus strand): 5'-GCCCAGGAGCGTCTGGCAACAGCTTTGCAGAAGCTGGAGGAAGCTGAGAAGGCAGCAGAT[G>A]AGAGTGAGAGGTGAGAATGCCTCATCAGCCATCTTTTGCAGCTGCCTTTCCTGGTGGAAT-3'
Protein context (NP_001018005.1, residues 112-132): KLEEAEKAAD[Glu122Lys]SERGMKVIES